The following is an entry in ClinVar:

ClinVar aggregate classification (germline): Uncertain significance (1 of 4 stars; one submission).

Allele frequency attached by ClinVar (database versions not stated): gnomAD exomes below 0.00001 and 0.00001; gnomAD 0.00001; TOPMed 0.00001; ExAC 0.00002.
gnomAD v4.1: 4 of 1,610,812 alleles (0.00025%); highest among the groups gnomAD compares: East Asian, 0.0045%; no homozygotes.

Submission:

Labcorp Genetics (formerly Invitae), Labcorp
Classification: Uncertain significance. Last evaluated: 2024-10-07. Review status: criteria provided, single submitter. Criteria: Invitae Variant Classification Sherloc (09022015). Collection method: clinical testing. Allele origin: germline.
Comment: This sequence change replaces isoleucine, which is neutral and non-polar, with methionine, which is neutral and non-polar, at codon 179 of the ORC4 protein (p.Ile179Met). This variant is present in population databases (rs749984565, gnomAD 0.006%). This variant has not been reported in the literature in individuals affected with ORC4-related conditions. ClinVar contains an entry for this variant (Variation ID: 1347702). Invitae Evidence Modeling of protein sequence and biophysical properties (such as structural, functional, and spatial information, amino acid conservation, physicochemical variation, residue mobility, and thermodynamic stability) indicates that this missense variant is not expected to disrupt ORC4 protein function with a negative predictive value of 80%. In summary, the available evidence is currently insufficient to determine the role of this variant in disease. Therefore, it has been classified as a Variant of Uncertain Significance.

NM_181741.4(ORC4):c.537T>G (p.Ile179Met)

Gene: ORC4 (origin recognition complex subunit 4; minus strand). Cytogenetic location: 2q23.1.
Variant type: single nucleotide variant.
Coding change: c.537T>G on transcript NM_181741.4 (MANE Select); coding-DNA position 537, T replaced by G.
Protein change: p.Ile179Met; replaces isoleucine 179 with methionine.
Molecular consequence: missense variant.
Genome position (GRCh38, 1-based): chr2:147,952,424, A>C on the plus strand (T>G on the coding strand, the complement: ORC4 is on the minus strand). VCF-style: chr2-147952424-A-C. GRCh37 (hg19) VCF-style: chr2-148709993-A-C.
Other names: c.285T>G, p.Ile95Met (NM_001190881.3, NM_001374272.1); c.315T>G, p.Ile105Met (NM_001190882.3); c.537T>G, p.Ile179Met (NM_001374270.1, NM_002552.5, NM_181742.5 and 1 more transcripts); short protein forms I105M, I95M, I179M.
Identifiers: ClinVar variation 1347702 (VCV001347702.8), dbSNP rs749984565, ClinGen allele CA1899573.